The following is an entry in ClinVar:

NM_001042492.3(NF1):c.4552dup (p.Ile1518fs)

Gene: NF1 (neurofibromin 1; plus strand). Cytogenetic location: 17q11.2.
Variant type: Duplication.
Coding change: c.4552dup on transcript NM_001042492.3 (MANE Select); coding-DNA position 4552, one base duplicated (A; older notation c.4552dupA).
Protein change: p.Ile1518fs; shifts the reading frame from isoleucine 1518.
Molecular consequence: frameshift variant.
Genome position (GRCh38, 1-based): chr17:31,260,490, A duplicated; the last of 4 consecutive A bases (chr17:31,260,487-31,260,490); duplicating any one gives the same sequence. VCF-style (leftmost placement, unchanged base first): chr17-31260486-G-GA. GRCh37 (hg19) VCF-style: chr17-29587504-G-GA.
Other names: c.4489dup, p.Ile1497Asnfs (NM_000267.4); short protein forms I1497fs, I1518fs.
Identifiers: ClinVar variation 3658532 (VCV003658532.2).

ClinVar aggregate classification (germline): Pathogenic (1 of 4 stars; one submission).

Conditions:
Neurofibromatosis, type 1 (NF1). Also called: Peripheral type neurofibromatosis; VON RECKLINGHAUSEN DISEASE; NEUROFIBROMATOSIS, TYPE I, SOMATIC; Neurofibromatosis, type I. Identifiers: Orphanet 636, MedGen C0027831, MONDO:0018975, OMIM 162200. Disease mechanism: loss of function.

Submission:

Labcorp Genetics (formerly Invitae), Labcorp
Classification: Pathogenic for Neurofibromatosis, type 1. Last evaluated: 2024-07-02. Review status: criteria provided, single submitter. Criteria: Invitae Variant Classification Sherloc (09022015). Collection method: clinical testing. Allele origin: germline.
Comment: This sequence change creates a premature translational stop signal (p.Ile1497Asnfs*12) in the NF1 gene. It is expected to result in an absent or disrupted protein product. Loss-of-function variants in NF1 are known to be pathogenic (PMID: 10712197, 23913538). This variant is not present in population databases (gnomAD no frequency). This premature translational stop signal has been observed in individual(s) with neurofibromatosis type 1 (PMID: 36659944). This variant is also known as c.4486dupA. For these reasons, this variant has been classified as Pathogenic.

Literature cited by the submitters: PubMed 10712197; PubMed 23913538; PubMed 36659944.